The following is an entry in ClinVar:

ClinVar aggregate classification (germline): Uncertain significance (1 of 4 stars; one submission).

Conditions:
Shprintzen-Goldberg syndrome (SGS). Also called: Marfanoid disorder with craniosynostosis type 1; Marfanoid craniosynostosis syndrome; Shprintzen-Goldberg marfanoid syndrome; SHPRINTZEN-GOLDBERG CRANIOSYNOSTOSIS SYNDROME; CRANIOSYNOSTOSIS WITH ARACHNODACTYLY AND ABDOMINAL HERNIAS. Identifiers: Orphanet 2462, MedGen C1321551, MONDO:0008426, OMIM 182212.

Submission:

Labcorp Genetics (formerly Invitae), Labcorp
Classification: Uncertain significance for Shprintzen-Goldberg syndrome. Last evaluated: 2025-10-24. Review status: criteria provided, single submitter. Criteria: Invitae Variant Classification Sherloc (09022015). Collection method: clinical testing. Allele origin: germline.
Comment: This sequence change replaces methionine, which is neutral and non-polar, with threonine, which is neutral and polar, at codon 164 of the SKI protein (p.Met164Thr). This variant is present in population databases (no rsID available, gnomAD 0.001%). This variant has not been reported in the literature in individuals affected with SKI-related conditions. ClinVar contains an entry for this variant (Variation ID: 3715498). Invitae Evidence Modeling of protein sequence and biophysical properties (such as structural, functional, and spatial information, amino acid conservation, physicochemical variation, residue mobility, and thermodynamic stability) indicates that this missense variant is not expected to disrupt SKI protein function with a negative predictive value of 95%. In summary, the available evidence is currently insufficient to determine the role of this variant in disease. Therefore, it has been classified as a Variant of Uncertain Significance.

NM_003036.4(SKI):c.491T>C (p.Met164Thr)

Gene: SKI (SKI proto-oncogene; plus strand). Cytogenetic location: 1p36.33.
Variant type: single nucleotide variant.
Coding change: c.491T>C on transcript NM_003036.4 (MANE Select); coding-DNA position 491, T replaced by C.
Protein change: p.Met164Thr; replaces methionine 164 with threonine.
Molecular consequence: missense variant.
Genome position (GRCh38, 1-based): chr1:2,229,257, T>C. VCF-style: chr1-2229257-T-C. GRCh37 (hg19) VCF-style: chr1-2160696-T-C.
Other names: short protein forms M164T.
Identifiers: ClinVar variation 3715498 (VCV003715498.2).